The following is an entry in ClinVar:

NM_052945.4(TNFRSF13C):c.534_543delinsAATAGCAGG (p.Ala179fs)

Gene: TNFRSF13C (TNF receptor superfamily member 13C; minus strand). Cytogenetic location: 22q13.2.
Variant type: Indel.
Coding change: c.534_543delinsAATAGCAGG on transcript NM_052945.4 (MANE Select); coding-DNA positions 534 to 543, GGCCGGCCCT replaced by AATAGCAGG.
Protein change: p.Ala179fs; shifts the reading frame from alanine 179.
Molecular consequence: frameshift variant.
Genome position (GRCh38, 1-based): chr22:41,925,379-41,925,388, AGGGCCGGCC replaced by CCTGCTATT on the plus strand (GGCCGGCCCT replaced by AATAGCAGG on the coding strand, the reverse complement: TNFRSF13C is on the minus strand). VCF-style: chr22-41925379-AGGGCCGGCC-CCTGCTATT. GRCh37 (hg19) VCF-style: chr22-42321383-AGGGCCGGCC-CCTGCTATT.
Other names: short protein forms A179fs.
Identifiers: ClinVar variation 660119 (VCV000660119.7), dbSNP rs1602373048, ClinGen allele CA915951495.

ClinVar aggregate classification (germline): Uncertain significance. Review status: criteria provided, multiple submitters, no conflicts (2 of 4 stars). 2 submissions from 2 submitters: Uncertain significance (2). Last evaluated 2025-05-06.

Conditions:
Immunodeficiency, common variable, 4. Also called: ANTIBODY DEFICIENCY DUE TO BAFFR DEFECT. Identifiers: Orphanet 1572, Orphanet 696925, MedGen C3150739, MONDO:0013284, OMIM 613494.
TNFRSF13C-related disorder. Also called: TNFRSF13C-related condition.

Submissions (2):

Labcorp Genetics (formerly Invitae), Labcorp
Classification: Uncertain significance for Immunodeficiency, common variable, 4. Last evaluated: 2025-05-06. Review status: criteria provided, single submitter. Criteria: Invitae Variant Classification Sherloc (09022015). Collection method: clinical testing. Allele origin: germline.
Comment: This sequence change is expected to alter the c-terminus of the TNFRSF13C protein (p.Ala179Ilefs*46). While this is not anticipated to result in nonsense mediated decay, it is expected to disrupt the last 6 amino acid(s) of the TNFRSF13C protein and extend the protein by 39 additional amino acid residues. Information on the frequency of this variant in the gnomAD database is not available, as this variant may be reported differently in the database. This variant has not been reported in the literature in individuals affected with TNFRSF13C-related conditions. Experimental studies and prediction algorithms are not available or were not evaluated, and the functional significance of this variant is currently unknown. In summary, the available evidence is currently insufficient to determine the role of this variant in disease. Therefore, it has been classified as a Variant of Uncertain Significance.

PreventionGenetics, part of Exact Sciences
Classification: Uncertain significance for TNFRSF13C-related condition. Last evaluated: 2024-10-16. Review status: criteria provided, single submitter. Criteria: ACMG Guidelines, 2015. Collection method: clinical testing. Allele origin: germline.
Comment: The TNFRSF13C c.534_543delinsAATAGCAGG variant is predicted to result in a frameshift and premature protein termination (p.Ala179Ilefs*46). To our knowledge, this variant has not been reported in the literature or in a large population database (gnomAD), indicating this variant is rare. Loss of function is not an established mechanism of TNFRSF13C-related disease. At this time, the clinical significance of this variant is uncertain due to the absence of conclusive functional and genetic evidence.